The following is an entry in ClinVar:

ClinVar aggregate classification (germline): Uncertain significance (1 of 4 stars; one submission).

Submission:

Labcorp Genetics (formerly Invitae), Labcorp
Classification: Uncertain significance. Last evaluated: 2024-08-13. Review status: criteria provided, single submitter. Criteria: Invitae Variant Classification Sherloc (09022015). Collection method: clinical testing. Allele origin: germline.
Comment: This sequence change falls in intron 6 of the COLEC11 gene. It does not directly change the encoded amino acid sequence of the COLEC11 protein. It affects a nucleotide within the consensus splice site. This variant is present in population databases (rs374563577, gnomAD 0.009%). This variant has not been reported in the literature in individuals affected with COLEC11-related conditions. Variants that disrupt the consensus splice site are a relatively common cause of aberrant splicing (PMID: 17576681, 9536098). Algorithms developed to predict the effect of sequence changes on RNA splicing suggest that this variant is not likely to affect RNA splicing. In summary, the available evidence is currently insufficient to determine the role of this variant in disease. Therefore, it has been classified as a Variant of Uncertain Significance.

Literature cited by the submitters: PubMed 17576681; PubMed 9536098.

NM_024027.5(COLEC11):c.425-3C>T

Gene: COLEC11 (collectin subfamily member 11; plus strand). Cytogenetic location: 2p25.3.
Variant type: single nucleotide variant.
Coding change: c.425-3C>T on transcript NM_024027.5 (MANE Select); 3 bases into the intron before coding-DNA position 425, C replaced by T.
Molecular consequence: intron variant.
Genome position (GRCh38, 1-based): chr2:3,643,724, C>T. VCF-style: chr2-3643724-C-T. GRCh37 (hg19) VCF-style: chr2-3691314-C-T.
Other names: c.416-3C>T (NM_199235.3); c.353-3C>T (NM_001255983.2, NM_001255982.2); c.281-3C>T (NM_001255984.2); c.467-3C>T (NM_001255985.1); c.347-3C>T (NM_001255986.1); c.275-3C>T (NM_001255988.1, NM_001255987.1); c.203-3C>T (NM_001255989.1).
Identifiers: ClinVar variation 3608445 (VCV003608445.2).